The following is an entry in ClinVar:

ClinVar aggregate classification (germline): Likely pathogenic (1 of 4 stars; one submission).

Conditions:
X-linked agammaglobulinemia with growth hormone deficiency (IGHD3). Also called: FLEISHER SYNDROME; HYPOGAMMAGLOBULINEMIA AND ISOLATED GROWTH HORMONE DEFICIENCY, X-LINKED; IGHD III; AGAMMAGLOBULINEMIA AND ISOLATED GROWTH HORMONE DEFICIENCY, X-LINKED; Isolated growth hormone deficiency type 3; Growth hormone deficiency with hypogammaglobulinemia. Identifiers: Orphanet 231692, Orphanet 631, MedGen C0472813, MONDO:0010615, OMIM 307200.

Submission:

Labcorp Genetics (formerly Invitae), Labcorp
Classification: Likely pathogenic for X-linked agammaglobulinemia with growth hormone deficiency. Last evaluated: 2019-03-30. Review status: criteria provided, single submitter. Criteria: Invitae Variant Classification Sherloc (09022015). Collection method: clinical testing. Allele origin: germline.
Comment: Algorithms developed to predict the effect of missense changes on protein structure and function are either unavailable or do not agree on the potential impact of this missense change (SIFT: "Deleterious"; PolyPhen-2: "Probably Damaging"; Align-GVGD: "Class C0"). This variant has been observed in individuals affected with X-linked agammaglobulinemia (PMID: 25777788, Invitae). This variant is not present in population databases (ExAC no frequency). This sequence change replaces valine with phenylalanine at codon 505 of the BTK protein (p.Val505Phe). The valine residue is highly conserved and there is a small physicochemical difference between valine and phenylalanine. In summary, the currently available evidence indicates that the variant is pathogenic, but additional data are needed to prove that conclusively. Therefore, this variant has been classified as Likely Pathogenic. This variant disrupts the p.Val505 amino acid residue in BTK. Other variant(s) that disrupt this residue have been observed in affected individuals (PMID: 23335184), suggesting that it is a clinically significant residue. As a result, variants that disrupt this residue are likely to be causative of disease.

Literature cited by the submitters: PubMed 25777788; PubMed 23335184.

NM_000061.3(BTK):c.1513G>T (p.Val505Phe)

Gene: BTK (Bruton tyrosine kinase; minus strand). Cytogenetic location: Xq22.1.
Variant type: single nucleotide variant.
Coding change: c.1513G>T on transcript NM_000061.3 (MANE Select); coding-DNA position 1513, G replaced by T.
Protein change: p.Val505Phe; replaces valine 505 with phenylalanine.
Molecular consequence: missense variant. On other transcripts: intron variant (1).
Genome position (GRCh38, 1-based): chrX:101,356,105, C>A on the plus strand (G>T on the coding strand, the complement: BTK is on the minus strand). VCF-style: chrX-101356105-C-A. GRCh37 (hg19) VCF-style: chrX-100611093-C-A.
Other names: c.1615G>T, p.Val539Phe (NM_001287344.2); c.1039-1411G>T (NM_001287345.2); short protein forms V505F, V539F.
Identifiers: ClinVar variation 656776 (VCV000656776.11), dbSNP rs1603004514, ClinGen allele CA413923535.